The following is an entry in ClinVar:

NM_052989.3(IFT122):c.1828A>G (p.Ile610Val)

Gene: IFT122 (intraflagellar transport 122; plus strand). Cytogenetic location: 3q21.3.
Variant type: single nucleotide variant.
Coding change: c.1828A>G on transcript NM_052989.3 (MANE Select); coding-DNA position 1828, A replaced by G.
Protein change: p.Ile610Val; replaces isoleucine 610 with valine.
Molecular consequence: missense variant.
Genome position (GRCh38, 1-based): chr3:129,483,659, A>G. VCF-style: chr3-129483659-A-G. GRCh37 (hg19) VCF-style: chr3-129202502-A-G.
Other names: c.1828A>G, p.Ile610Val (NM_001410808.1, NM_001410809.1); c.1651A>G, p.Ile551Val (NM_001410810.1, NM_001410811.1, NM_001410813.1 and 1 more transcripts); c.1495A>G, p.Ile499Val (NM_001410815.1, NM_001410817.1, NM_052990.3); c.1981A>G, p.Ile661Val (NM_052985.4); c.1804A>G, p.Ile602Val (NM_001280541.2); c.1378A>G, p.Ile460Val (NM_001280545.2); c.1201A>G, p.Ile401Val (NM_001280546.2); short protein forms I661V, I401V, I499V, I551V, I610V, I460V, I602V.
Identifiers: ClinVar variation 2073288 (VCV002073288.1), dbSNP rs1229728116, ClinGen allele CA354477393.

ClinVar aggregate classification (germline): Uncertain significance (1 of 4 stars; one submission).

Conditions:
Cranioectodermal dysplasia 1 (CED1). Also called: LEVIN SYNDROME I. Identifiers: Orphanet 1515, MedGen C0432235, MONDO:0021093, OMIM 218330.

Allele frequency attached by ClinVar (database versions not stated): TOPMed 0.00003.
gnomAD v4.1: 11 of 1,605,612 alleles (0.00069%); highest among the groups gnomAD compares: Admixed American, 0.017%; no homozygotes.

Submission:

Labcorp Genetics (formerly Invitae), Labcorp
Classification: Uncertain significance for Cranioectodermal dysplasia 1. Last evaluated: 2022-03-22. Review status: criteria provided, single submitter. Criteria: Invitae Variant Classification Sherloc (09022015). Collection method: clinical testing. Allele origin: germline.
Comment: This sequence change replaces isoleucine, which is neutral and non-polar, with valine, which is neutral and non-polar, at codon 661 of the IFT122 protein (p.Ile661Val). This variant is present in population databases (no rsID available, gnomAD 0.01%). This variant has not been reported in the literature in individuals affected with IFT122-related conditions. Algorithms developed to predict the effect of missense changes on protein structure and function (SIFT, PolyPhen-2, Align-GVGD) all suggest that this variant is likely to be tolerated. In summary, the available evidence is currently insufficient to determine the role of this variant in disease. Therefore, it has been classified as a Variant of Uncertain Significance.